The following is an entry in ClinVar:

NM_018706.7(DHTKD1):c.823G>T (p.Ala275Ser)

Gene: DHTKD1 (dehydrogenase E1 and transketolase domain containing 1; plus strand). Cytogenetic location: 10p14.
Variant type: single nucleotide variant.
Coding change: c.823G>T on transcript NM_018706.7 (MANE Select); coding-DNA position 823, G replaced by T.
Protein change: p.Ala275Ser; replaces alanine 275 with serine.
Molecular consequence: missense variant.
Genome position (GRCh38, 1-based): chr10:12,089,091, G>T. VCF-style: chr10-12089091-G-T. GRCh37 (hg19) VCF-style: chr10-12131090-G-T.
Other names: short protein forms A275S.
Identifiers: ClinVar variation 2186213 (VCV002186213.4), dbSNP rs756701886, ClinGen allele CA376018581.
Genomic context (GRCh38, chr10:12,089,091, plus strand): 5'-TTCTCAGCCACTGGAGACGTCCTGTCTCACCTGACCTCCTCTGTGGACCTGTACTTTGGG[G>T]CGCACCATCCCCTCCATGTGACAATGTTGCCCAATCCCTCGCACCTGGAGGCCGTCAACC-3'
Protein context (NP_061176.4, residues 265-285): LTSSVDLYFG[Ala275Ser]HHPLHVTMLP

ClinVar aggregate classification (germline): Uncertain significance (1 of 4 stars; one submission).

Conditions:
2-aminoadipic 2-oxoadipic aciduria (AAKAD). Also called: ALPHA-AMINOADIPIC AND ALPHA-KETOADIPIC ACIDURIA; Aminoadipic aciduria. Identifiers: Orphanet 79154, MedGen C1859817, MONDO:0008774, OMIM 204750.

gnomAD v4.1: 1 of 1,614,126 alleles (0.000062%); highest among the groups gnomAD compares: Admixed American, 0.0017%; no homozygotes.

Submission:

Labcorp Genetics (formerly Invitae), Labcorp
Classification: Uncertain significance for 2-aminoadipic 2-oxoadipic aciduria. Last evaluated: 2022-10-24. Review status: criteria provided, single submitter. Criteria: Invitae Variant Classification Sherloc (09022015). Collection method: clinical testing. Allele origin: germline.
Comment: In summary, the available evidence is currently insufficient to determine the role of this variant in disease. Therefore, it has been classified as a Variant of Uncertain Significance. Algorithms developed to predict the effect of missense changes on protein structure and function output the following: SIFT: "Tolerated"; PolyPhen-2: "Benign"; Align-GVGD: "Class C0". The serine amino acid residue is found in multiple mammalian species, which suggests that this missense change does not adversely affect protein function. This variant has not been reported in the literature in individuals affected with DHTKD1-related conditions. This variant is present in population databases (no rsID available, gnomAD 0.003%). This sequence change replaces alanine, which is neutral and non-polar, with serine, which is neutral and polar, at codon 275 of the DHTKD1 protein (p.Ala275Ser).